The following is an entry in ClinVar:

ClinVar aggregate classification (germline): Uncertain significance (1 of 4 stars; one submission).

Conditions:
POLD1-related polyposis and colorectal cancer syndrome (CRCS10). Also called: Colorectal cancer 10; COLORECTAL CANCER, SUSCEPTIBILITY TO, ON CHROMOSOME 19q; Colorectal cancer, susceptibility to, 10. Identifiers: Orphanet 220460, MedGen C2675481, MONDO:0012953, OMIM 612591.

Submission:

Labcorp Genetics (formerly Invitae), Labcorp
Classification: Uncertain significance for POLD1-related polyposis and colorectal cancer syndrome. Last evaluated: 2023-03-18. Review status: criteria provided, single submitter. Criteria: Invitae Variant Classification Sherloc (09022015). Collection method: clinical testing. Allele origin: germline.
Comment: In summary, the available evidence is currently insufficient to determine the role of this variant in disease. Therefore, it has been classified as a Variant of Uncertain Significance. An algorithm developed to predict the effect of missense changes on protein structure and function (PolyPhen-2) suggests that this variant is likely to be disruptive. This variant has not been reported in the literature in individuals affected with POLD1-related conditions. This variant is not present in population databases (gnomAD no frequency). This sequence change replaces glycine, which is neutral and non-polar, with tryptophan, which is neutral and slightly polar, at codon 179 of the POLD1 protein (p.Gly179Trp).

NM_002691.4(POLD1):c.535G>T (p.Gly179Trp)

Gene: POLD1 (DNA polymerase delta 1, catalytic subunit; plus strand). Cytogenetic location: 19q13.33.
Variant type: single nucleotide variant.
Coding change: c.535G>T on transcript NM_002691.4 (MANE Select); coding-DNA position 535, G replaced by T.
Protein change: p.Gly179Trp; replaces glycine 179 with tryptophan.
Molecular consequence: missense variant. On other transcripts: non-coding transcript variant (1).
Genome position (GRCh38, 1-based): chr19:50,402,070, G>T. VCF-style: chr19-50402070-G-T. GRCh37 (hg19) VCF-style: chr19-50905327-G-T.
Other names: c.535G>T, p.Gly179Trp (NM_001256849.1, NM_001308632.1); short protein forms G179W.
Identifiers: ClinVar variation 2846889 (VCV002846889.3), dbSNP rs2038663155, ClinGen allele CA406973217.